The following is an entry in ClinVar:

ClinVar aggregate classification (germline): Uncertain significance. Review status: criteria provided, multiple submitters, no conflicts (2 of 4 stars). 3 submissions from 3 submitters: Uncertain significance (3). Last evaluated 2024-04-22.

Conditions:
Hereditary cancer-predisposing syndrome. Also called: Neoplastic Syndromes, Hereditary; Hereditary Cancer Syndrome; Hereditary neoplastic syndrome; Tumor predisposition. Identifiers: Orphanet 140162, MedGen C0027672, MeSH D009386, MONDO:0015356.
Familial cancer of breast. Also called: Hereditary breast cancer; hereditary breast carcinoma; BREAST CANCER, FAMILIAL. Identifiers: Orphanet 227535, MedGen C0346153, MONDO:0016419, OMIM 114480. Disease mechanism: loss of function.
Fanconi anemia complementation group J. Also called: BRIP1-Related Fanconi Anemia. Identifiers: Orphanet 84, MedGen C1836860, MONDO:0012187, OMIM 609054.

Submissions (3):

Labcorp Genetics (formerly Invitae), Labcorp
Classification: Uncertain significance for Familial cancer of breast; Fanconi anemia complementation group J. Last evaluated: 2024-04-22. Review status: criteria provided, single submitter. Criteria: Invitae Variant Classification Sherloc (09022015). Collection method: clinical testing. Allele origin: germline.
Comment: This sequence change replaces asparagine, which is neutral and polar, with histidine, which is basic and polar, at codon 397 of the BRIP1 protein (p.Asn397His). This variant is not present in population databases (gnomAD no frequency). This variant has not been reported in the literature in individuals affected with BRIP1-related conditions. ClinVar contains an entry for this variant (Variation ID: 141827). Advanced modeling of protein sequence and biophysical properties (such as structural, functional, and spatial information, amino acid conservation, physicochemical variation, residue mobility, and thermodynamic stability) performed at Invitae indicates that this missense variant is expected to disrupt BRIP1 protein function with a positive predictive value of 80%. In summary, the available evidence is currently insufficient to determine the role of this variant in disease. Therefore, it has been classified as a Variant of Uncertain Significance.

Ambry Genetics
Classification: Uncertain significance for Hereditary cancer-predisposing syndrome. Last evaluated: 2024-02-14. Review status: criteria provided, single submitter. Criteria: Ambry Variant Classification Scheme 2023. Collection method: clinical testing. Allele origin: germline.
Comment: The p.N397H variant (also known as c.1189A>C), located in coding exon 8 of the BRIP1 gene, results from an A to C substitution at nucleotide position 1189. The asparagine at codon 397 is replaced by histidine, an amino acid with similar properties. This amino acid position is completely conserved on sequence alignment. In addition, the in silico prediction for this alteration is inconclusive. Based on the available evidence, the clinical significance of this alteration remains unclear.

GeneDx
Classification: Uncertain significance. Last evaluated: 2023-03-15. Review status: criteria provided, single submitter. Criteria: GeneDx Variant Classification Process June 2021. Collection method: clinical testing. Allele origin: germline. Affected: yes.
Comment: Not observed at significant frequency in large population cohorts (gnomAD); In silico analysis supports that this missense variant has a deleterious effect on protein structure/function; Has not been previously published as pathogenic or benign to our knowledge; This variant is associated with the following publications: (PMID: 11301010)

NM_032043.3(BRIP1):c.1189A>C (p.Asn397His)

Gene: BRIP1 (BRCA1 interacting DNA helicase 1; minus strand). Cytogenetic location: 17q23.2.
Variant type: single nucleotide variant.
Coding change: c.1189A>C on transcript NM_032043.3 (MANE Select); coding-DNA position 1189, A replaced by C.
Protein change: p.Asn397His; replaces asparagine 397 with histidine.
Molecular consequence: missense variant.
Genome position (GRCh38, 1-based): chr17:61,799,251, T>G on the plus strand (A>C on the coding strand, the complement: BRIP1 is on the minus strand). VCF-style: chr17-61799251-T-G. GRCh37 (hg19) VCF-style: chr17-59876612-T-G.
Other names: short protein forms N397H.
Identifiers: ClinVar variation 141827 (VCV000141827.13), dbSNP rs587782039, ClinGen allele CA166541.